The following is an entry in ClinVar:

NM_025114.4(CEP290):c.1189+2T>C

Gene: CEP290 (centrosomal protein 290; minus strand). Cytogenetic location: 12q21.32.
Variant type: single nucleotide variant.
Coding change: c.1189+2T>C on transcript NM_025114.4 (MANE Select); the canonical splice donor site of the intron after coding-DNA position 1189, T replaced by C.
Molecular consequence: splice donor variant.
Genome position (GRCh38, 1-based): chr12:88,125,244, A>G on the plus strand (T>C on the coding strand, the complement: CEP290 is on the minus strand). VCF-style: chr12-88125244-A-G. GRCh37 (hg19) VCF-style: chr12-88519021-A-G.
Identifiers: ClinVar variation 1929438 (VCV001929438.8), dbSNP rs2501269442, ClinGen allele CA385981020.
Genomic context (GRCh38, chr12:88,125,244, plus strand): 5'-ATAAAAATAAAGTCGTTAAAAACATAATTGTATATAAAATAACTATATATTTATAAAAAT[A>G]CCTTTGTTTCTTTGGAGCTCATTTTTCAAATCTTCAATAATACAAGTATTCTTTTCCATT-3'

ClinVar aggregate classification (germline): Pathogenic. Review status: reviewed by expert panel (3 of 4 stars). 3 submissions from 3 submitters: Pathogenic (1). 2 of the submissions do not count toward it. Last evaluated 2026-07-20.

Conditions:
CEP290-related ciliopathy. Also called: CEP290 ciliopathy. Identifiers: MedGen CN305601, MONDO:0100451.
Joubert syndrome. Also called: JOUBERT-BOLTSHAUSER SYNDROME; Familial aplasia of the vermis. Identifiers: Orphanet 475, MedGen C5979921, MONDO:0018772.
Nephronophthisis. Also called: Juvenile Nephronophthisis. Identifiers: Orphanet 655, MedGen C0687120, MONDO:0019005, HP:0000090.
Meckel-Gruber syndrome. Also called: DYSENCEPHALIA SPLANCHNOCYSTICA; GRUBER SYNDROME; Dysencephalia splachnocystica. Identifiers: Orphanet 564, MedGen C0265215, MONDO:0018921.
Bardet-Biedl syndrome 14 (BBS14). Identifiers: Orphanet 110, MedGen C2673874, MONDO:0014442, OMIM 615991.

Submissions (3):

ClinGen Leber Congenital Amaurosis/early Onset Retinal Dystrophy Variant Curation Expert Panel, ClinGen
Classification: Pathogenic for CEP290-related ciliopathy. Last evaluated: 2026-07-20. Review status: reviewed by expert panel. Criteria: ClinGen LCAeoRD ACMG Specifications CEP290 V1.0.0. Collection method: curation. Allele origin: germline. Inheritance: Autosomal recessive inheritance.
Comment: NM_025114.4(CEP290):c.1189+2T>C disrupts a canonical splice site in intron 13 and is predicted to lead to skipping of a critical out-of-frame exon. Another comparable variant within the same splice donor site with the same predicted impact, NM_025114.4(CEP290):c.1189+1G>A, was previously classified as pathogenic by the LCA/eoRD VCEP (PS1_Supporting). This variant is present in gnomAD v4.1.1 at a total allele frequency of 0, with 0 alleles / 755,116 total alleles, which is lower than the ClinGen LCA/eoRD VCEP PM2_Supporting threshold of <0.0006 (PM2_Supporting). This variant has been reported in at least 1 proband with early-onset severe retinal dystrophy who harbored the variant in the compound heterozygous state with the NM_025114.4(CEP290):c.5777G>C (p.Arg1926Pro) variant in trans (PMID: 31630094). However, the proband was not counted for PM3_Supporting to avoid circularity. At least one proband harboring this variant exhibits a phenotype including a diagnosis of LCA (0.5 pts) with genetic testing done using a large IRD gene panel (2 pts). In summary, this variant meets the criteria to be classified as Pathogenic for CEP290-related ciliopathy based on the ACMG/AMP criteria applied, as specified by the ClinGen LCA/eoRD VCEP: PVS1, PS1_Supporting, PP4, and PM2_Supporting. (LCA/eoRD VCEP Specifications for CEP290 Version 1.0.0)

Baylor Genetics
Classification: Pathogenic for Bardet-Biedl syndrome 14. Last evaluated: 2024-02-17. Review status: criteria provided, single submitter. Criteria: ACMG Guidelines, 2015. Collection method: clinical testing. Allele origin: unknown. Not counted in ClinVar's aggregate classification.

Labcorp Genetics (formerly Invitae), Labcorp
Classification: Pathogenic for Joubert syndrome; Meckel-Gruber syndrome; Nephronophthisis. Last evaluated: 2022-03-15. Review status: criteria provided, single submitter. Criteria: Invitae Variant Classification Sherloc (09022015). Collection method: clinical testing. Allele origin: germline. Not counted in ClinVar's aggregate classification.
Comment: Disruption of this splice site has been observed in individual(s) with Leber congenital amaurosis (PMID: 31630094). In at least one individual the data is consistent with being in trans (on the opposite chromosome) from a pathogenic variant. This sequence change affects a donor splice site in intron 13 of the CEP290 gene. It is expected to disrupt RNA splicing. Variants that disrupt the donor or acceptor splice site typically lead to a loss of protein function (PMID: 16199547), and loss-of-function variants in CEP290 are known to be pathogenic (PMID: 16909394, 17345604, 20690115). This variant is not present in population databases (gnomAD no frequency). Algorithms developed to predict the effect of sequence changes on RNA splicing suggest that this variant may disrupt the consensus splice site. For these reasons, this variant has been classified as Pathogenic.

Literature cited by the submitters: PubMed 31630094 (cited by Labcorp Genetics (formerly Invitae), Labcorp); PubMed 16199547 (cited by Labcorp Genetics (formerly Invitae), Labcorp); PubMed 16909394 (cited by Labcorp Genetics (formerly Invitae), Labcorp); PubMed 17345604 (cited by Labcorp Genetics (formerly Invitae), Labcorp); PubMed 20690115 (cited by Labcorp Genetics (formerly Invitae), Labcorp).